The following is an entry in ClinVar:

NM_020921.4(NIN):c.68C>T (p.Thr23Met)

Genes: NIN (ninein; minus strand), LOC105370489 (uncharacterized LOC105370489; plus strand). Cytogenetic location: 14q22.1.
Variant type: single nucleotide variant.
Coding change: c.68C>T on transcript NM_020921.4 (MANE Select); coding-DNA position 68, C replaced by T.
Protein change: p.Thr23Met; replaces threonine 23 with methionine.
Molecular consequence: missense variant.
Genome position (GRCh38, 1-based): chr14:50,821,989, G>A on the plus strand (C>T on the coding strand, the complement: NIN is on the minus strand). VCF-style: chr14-50821989-G-A. GRCh37 (hg19) VCF-style: chr14-51288707-G-A.
Other names: c.68C>T (NM_020921.3); c.68C>T, p.Thr23Met (NM_016350.5, NM_182944.3, NM_182946.2); short protein forms T23M.
Identifiers: ClinVar variation 2156646 (VCV002156646.5), dbSNP rs773011677, ClinGen allele CA7182594.

ClinVar aggregate classification (germline): Uncertain significance. Review status: criteria provided, multiple submitters, no conflicts (2 of 4 stars). 2 submissions from 2 submitters: Uncertain significance (2). Last evaluated 2026-01-20.

Allele frequency attached by ClinVar (database versions not stated): ExAC 0.00002; gnomAD exomes 0.00002; gnomAD 0.00006; TOPMed 0.00009.
gnomAD v4.1: 39 of 1,613,996 alleles (0.0024%); highest among the groups gnomAD compares: Admixed American, 0.027%; no homozygotes.

Submissions (2):

Labcorp Genetics (formerly Invitae), Labcorp
Classification: Uncertain significance. Last evaluated: 2026-01-20. Review status: criteria provided, single submitter. Criteria: Invitae Variant Classification Sherloc (09022015). Collection method: clinical testing. Allele origin: germline.
Comment: This sequence change replaces threonine, which is neutral and polar, with methionine, which is neutral and non-polar, at codon 23 of the NIN protein (p.Thr23Met). This variant is present in population databases (rs773011677, gnomAD 0.03%). This variant has not been reported in the literature in individuals affected with NIN-related conditions. ClinVar contains an entry for this variant (Variation ID: 2156646). An algorithm developed to predict the effect of missense changes on protein structure and function (PolyPhen-2) suggests that this variant is likely to be disruptive. In summary, the available evidence is currently insufficient to determine the role of this variant in disease. Therefore, it has been classified as a Variant of Uncertain Significance.

Ambry Genetics
Classification: Uncertain significance. Last evaluated: 2025-07-14. Review status: criteria provided, single submitter. Criteria: Ambry Variant Classification Scheme 2023. Collection method: clinical testing. Allele origin: germline.